The following is an entry in ClinVar:

ClinVar aggregate classification (germline): Uncertain significance. Review status: criteria provided, multiple submitters, no conflicts (2 of 4 stars). 2 submissions from 2 submitters: Uncertain significance (2). Last evaluated 2020-03-18.

Conditions:
Inborn genetic diseases. Identifiers: MedGen C0950123, MeSH D030342.

Submissions (2):

Ambry Genetics
Classification: Uncertain significance for Inborn genetic diseases. Last evaluated: 2020-03-18. Review status: criteria provided, single submitter. Criteria: Ambry Variant Classification Scheme 2023. Collection method: clinical testing. Allele origin: germline.
Comment: The p.L90I variant (also known as c.268C>A), located in coding exon 1 of the GJB1 gene, results from a C to A substitution at nucleotide position 268. The leucine at codon 90 is replaced by isoleucine, an amino acid with highly similar properties. This amino acid position is highly conserved in available vertebrate species. In addition, this alteration is predicted to be deleterious by in silico analysis. Since supporting evidence is limited at this time, the clinical significance of this alteration remains unclear.

Athena Diagnostics
Classification: Uncertain significance. Last evaluated: 2019-12-30. Review status: criteria provided, single submitter. Criteria: Athena Diagnostics Criteria. Collection method: clinical testing. Allele origin: unknown.

NM_000166.6(GJB1):c.268C>A (p.Leu90Ile)

Gene: GJB1 (gap junction protein beta 1; plus strand). Cytogenetic location: Xq13.1.
Variant type: single nucleotide variant.
Coding change: c.268C>A on transcript NM_000166.6 (MANE Select); coding-DNA position 268, C replaced by A.
Protein change: p.Leu90Ile; replaces leucine 90 with isoleucine.
Molecular consequence: missense variant.
Genome position (GRCh38, 1-based): chrX:71,223,975, C>A. VCF-style: chrX-71223975-C-A. GRCh37 (hg19) VCF-style: chrX-70443825-C-A.
Other names: c.268C>A, p.Leu90Ile (NM_001097642.3); short protein forms L90I.
Identifiers: ClinVar variation 995076 (VCV000995076.3), dbSNP rs1299325261, ClinGen allele CA413501712.